The following is an entry in ClinVar:

NM_000070.3(CAPN3):c.2171T>C (p.Ile724Thr)

Gene: CAPN3 (calpain 3; plus strand). Cytogenetic location: 15q15.1.
Variant type: single nucleotide variant.
Coding change: c.2171T>C on transcript NM_000070.3 (MANE Select); coding-DNA position 2171, T replaced by C.
Protein change: p.Ile724Thr; replaces isoleucine 724 with threonine.
Molecular consequence: missense variant.
Genome position (GRCh38, 1-based): chr15:42,410,483, T>C. VCF-style: chr15-42410483-T-C. GRCh37 (hg19) VCF-style: chr15-42702681-T-C.
Other names: c.1895T>C, p.Ile632Thr (NM_173087.2); c.635T>C, p.Ile212Thr (NM_173088.2); c.176T>C, p.Ile59Thr (NM_173089.2, NM_173090.2); c.2153T>C, p.Ile718Thr (NM_024344.2); short protein forms I632T, I724T, I212T, I59T, I718T.
Identifiers: ClinVar variation 4741635 (VCV004741635.1).

ClinVar aggregate classification (germline): Uncertain significance (1 of 4 stars; one submission).

Conditions:
Autosomal recessive limb-girdle muscular dystrophy type 2A (LGMDR1). Also called: Muscular dystrophy, limb-girdle, type 2A, Amish; LEYDEN-MOEBIUS MUSCULAR DYSTROPHY; MUSCULAR DYSTROPHY, PELVOFEMORAL; Limb-girdle muscular dystrophy, type 2A; Calpainopathy. Identifiers: Orphanet 267, MedGen C1869123, MONDO:0009675, OMIM 253600. Disease mechanism: loss of function.

gnomAD v4.1: 4 of 1,613,802 alleles (0.00025%); highest among the groups gnomAD compares: Admixed American, 0.0067%; no homozygotes.

Submission:

Labcorp Genetics (formerly Invitae), Labcorp
Classification: Uncertain significance for Autosomal recessive limb-girdle muscular dystrophy type 2A. Last evaluated: 2025-12-15. Review status: criteria provided, single submitter. Criteria: Invitae Variant Classification Sherloc (09022015). Collection method: clinical testing. Allele origin: germline.
Comment: This sequence change replaces isoleucine, which is neutral and non-polar, with threonine, which is neutral and polar, at codon 724 of the CAPN3 protein (p.Ile724Thr). This variant is present in population databases (no rsID available, gnomAD 0.003%). This variant has not been reported in the literature in individuals affected with CAPN3-related conditions. Invitae Evidence Modeling of protein sequence and biophysical properties (such as structural, functional, and spatial information, amino acid conservation, physicochemical variation, residue mobility, and thermodynamic stability) has been performed for this missense variant. However, the output from this modeling did not meet the statistical confidence thresholds required to predict the impact of this variant on CAPN3 protein function. In summary, the available evidence is currently insufficient to determine the role of this variant in disease. Therefore, it has been classified as a Variant of Uncertain Significance.